The following is an entry in ClinVar:

ClinVar aggregate classification (germline): Uncertain significance (1 of 4 stars; one submission).

Conditions:
SETD1B-related disorder. Also called: SETD1B-related condition.

gnomAD v4.1: 1 of 1,551,604 alleles (0.000064%); highest among the groups gnomAD compares: Non-Finnish European, 0.000087%; no homozygotes.

Submission:

PreventionGenetics, part of Exact Sciences
Classification: Uncertain significance for SETD1B-related condition. Last evaluated: 2025-01-12. Review status: criteria provided, single submitter. Criteria: ACMG Guidelines, 2015. Collection method: clinical testing. Allele origin: germline.
Comment: The SETD1B c.3704G>A variant is predicted to result in the amino acid substitution p.Gly1235Glu. To our knowledge, this variant has not been reported in the literature or in a large population database (gnomAD), indicating this variant is rare. At this time, the clinical significance of this variant is uncertain due to the absence of conclusive functional and genetic evidence.

NM_001353345.2(SETD1B):c.3833G>A (p.Gly1278Glu)

Gene: SETD1B (SET domain containing 1B, histone lysine methyltransferase; plus strand). Cytogenetic location: 12q24.31.
Variant type: single nucleotide variant.
Coding change: c.3833G>A on transcript NM_001353345.2 (MANE Select); coding-DNA position 3833, G replaced by A.
Protein change: p.Gly1278Glu; replaces glycine 1278 with glutamic acid.
Molecular consequence: missense variant.
Genome position (GRCh38, 1-based): chr12:121,819,818, G>A. VCF-style: chr12-121819818-G-A. GRCh37 (hg19) VCF-style: chr12-122257724-G-A.
Other names: NM_015048.1:c.3704G>A; short protein forms G1278E.
Identifiers: ClinVar variation 4998040 (VCV004998040.1).